The following is an entry in ClinVar:

ClinVar aggregate classification (germline): Uncertain significance (1 of 4 stars; one submission).

Conditions:
Hereditary cancer-predisposing syndrome. Also called: Tumor predisposition; Hereditary neoplastic syndrome; Neoplastic Syndromes, Hereditary; Hereditary Cancer Syndrome. Identifiers: Orphanet 140162, MedGen C0027672, MeSH D009386, MONDO:0015356.

gnomAD v4.1: 4 of 1,579,438 alleles (0.00025%); highest among the groups gnomAD compares: South Asian, 0.0011%; no homozygotes.

Submission:

Labcorp Genetics (formerly Invitae), Labcorp
Classification: Uncertain significance for Hereditary cancer-predisposing syndrome. Last evaluated: 2020-12-09. Review status: criteria provided, single submitter. Criteria: Invitae Variant Classification Sherloc (09022015). Collection method: clinical testing. Allele origin: germline.
Comment: In summary, the available evidence is currently insufficient to determine the role of this variant in disease. Therefore, it has been classified as a Variant of Uncertain Significance. Algorithms developed to predict the effect of missense changes on protein structure and function (SIFT, PolyPhen-2, Align-GVGD) all suggest that this variant is likely to be tolerated, but these predictions have not been confirmed by published functional studies and their clinical significance is uncertain. This variant has not been reported in the literature in individuals with RAD50-related conditions. This variant is not present in population databases (ExAC no frequency). This sequence change replaces glutamine with glutamic acid at codon 1014 of the RAD50 protein (p.Gln1014Glu). The glutamine residue is moderately conserved and there is a small physicochemical difference between glutamine and glutamic acid.

NM_005732.4(RAD50):c.3040C>G (p.Gln1014Glu)

Gene: RAD50 (RAD50 double strand break repair protein; plus strand). Cytogenetic location: 5q31.1.
Variant type: single nucleotide variant.
Coding change: c.3040C>G on transcript NM_005732.4 (MANE Select); coding-DNA position 3040, C replaced by G.
Protein change: p.Gln1014Glu; replaces glutamine 1014 with glutamic acid.
Molecular consequence: missense variant.
Genome position (GRCh38, 1-based): chr5:132,616,006, C>G. VCF-style: chr5-132616006-C-G. GRCh37 (hg19) VCF-style: chr5-131951698-C-G.
Other names: short protein forms Q1014E.
Identifiers: ClinVar variation 857833 (VCV000857833.10), dbSNP rs1581008368, ClinGen allele CA360963381.